The following is an entry in ClinVar:

ClinVar aggregate classification (germline): Uncertain significance (1 of 4 stars; one submission).

Allele frequency attached by ClinVar (database versions not stated): gnomAD exomes below 0.00001.
gnomAD v4.1: 4 of 1,605,160 alleles (0.00025%); highest among the groups gnomAD compares: Non-Finnish European, 0.00025%; no homozygotes.

Submission:

Labcorp Genetics (formerly Invitae), Labcorp
Classification: Uncertain significance. Last evaluated: 2022-09-07. Review status: criteria provided, single submitter. Criteria: Invitae Variant Classification Sherloc (09022015). Collection method: clinical testing. Allele origin: germline.
Comment: In summary, the available evidence is currently insufficient to determine the role of this variant in disease. Therefore, it has been classified as a Variant of Uncertain Significance. This sequence change replaces methionine, which is neutral and non-polar, with valine, which is neutral and non-polar, at codon 5 of the NDUFS6 protein (p.Met5Val). This variant is not present in population databases (gnomAD no frequency). This variant has not been reported in the literature in individuals affected with NDUFS6-related conditions. Algorithms developed to predict the effect of missense changes on protein structure and function output the following: SIFT: "Tolerated"; PolyPhen-2: "Benign"; Align-GVGD: "Class C0". The valine amino acid residue is found in multiple mammalian species, which suggests that this missense change does not adversely affect protein function. Algorithms developed to predict the effect of sequence changes on RNA splicing suggest that this variant may create or strengthen a splice site.

NM_004553.6(NDUFS6):c.13A>G (p.Met5Val)

Genes: MRPL36 (mitochondrial ribosomal protein L36; minus strand), NDUFS6 (NADH:ubiquinone oxidoreductase subunit S6; plus strand). Cytogenetic location: 5p15.33.
Variant type: single nucleotide variant.
Coding change: c.13A>G on transcript NM_004553.6 (MANE Select); coding-DNA position 13, A replaced by G.
Protein change: p.Met5Val; replaces methionine 5 with valine.
Molecular consequence: missense variant.
Genome position (GRCh38, 1-based): chr5:1,801,430, A>G. VCF-style: chr5-1801430-A-G. GRCh37 (hg19) VCF-style: chr5-1801544-A-G.
Other names: short protein forms M5V.
Identifiers: ClinVar variation 2141811 (VCV002141811.4), dbSNP rs2477213089, ClinGen allele CA359088622.